The following is an entry in ClinVar:

ClinVar aggregate classification (germline): Uncertain significance (1 of 4 stars; one submission).

Allele frequency attached by ClinVar (database versions not stated): TOPMed below 0.00001; gnomAD 0.00001; gnomAD exomes 0.00001; ExAC 0.00004; 1000 Genomes Project 30x 0.00016; 1000 Genomes Project 0.00020.
gnomAD v4.1: 17 of 1,613,972 alleles (0.0011%); highest among the groups gnomAD compares: South Asian, 0.0099%; no homozygotes.

Submission:

Labcorp Genetics (formerly Invitae), Labcorp
Classification: Uncertain significance. Last evaluated: 2022-08-09. Review status: criteria provided, single submitter. Criteria: Invitae Variant Classification Sherloc (09022015). Collection method: clinical testing. Allele origin: germline.
Comment: In summary, the available evidence is currently insufficient to determine the role of this variant in disease. Therefore, it has been classified as a Variant of Uncertain Significance. Algorithms developed to predict the effect of missense changes on protein structure and function are either unavailable or do not agree on the potential impact of this missense change (SIFT: "Tolerated"; PolyPhen-2: "Probably Damaging"; Align-GVGD: "Class C0"). This variant has not been reported in the literature in individuals affected with MTHFD1-related conditions. This variant is present in population databases (rs547825945, gnomAD 0.02%). This sequence change replaces cysteine, which is neutral and slightly polar, with serine, which is neutral and polar, at codon 143 of the MTHFD1 protein (p.Cys143Ser).

NM_005956.4(MTHFD1):c.428G>C (p.Cys143Ser)

Gene: MTHFD1 (methylenetetrahydrofolate dehydrogenase, cyclohydrolase and formyltetrahydrofolate synthetase 1; plus strand). Cytogenetic location: 14q23.3.
Variant type: single nucleotide variant.
Coding change: c.428G>C on transcript NM_005956.4 (MANE Select); coding-DNA position 428, G replaced by C.
Protein change: p.Cys143Ser; replaces cysteine 143 with serine.
Molecular consequence: missense variant.
Genome position (GRCh38, 1-based): chr14:64,415,689, G>C. VCF-style: chr14-64415689-G-C. GRCh37 (hg19) VCF-style: chr14-64882407-G-C.
Other names: c.428G>C, p.Cys143Ser (NM_001364837.1); short protein forms C143S.
Identifiers: ClinVar variation 2047664 (VCV002047664.3), dbSNP rs547825945, ClinGen allele CA7225931.